The following is an entry in ClinVar:

NM_004655.4(AXIN2):c.1219T>C (p.Ser407Pro)

Gene: AXIN2 (axin 2; minus strand). Cytogenetic location: 17q24.1.
Variant type: single nucleotide variant.
Coding change: c.1219T>C on transcript NM_004655.4 (MANE Select); coding-DNA position 1219, T replaced by C.
Protein change: p.Ser407Pro; replaces serine 407 with proline.
Molecular consequence: missense variant.
Genome position (GRCh38, 1-based): chr17:65,537,817, A>G on the plus strand (T>C on the coding strand, the complement: AXIN2 is on the minus strand). VCF-style: chr17-65537817-A-G. GRCh37 (hg19) VCF-style: chr17-63533935-A-G.
Other names: c.1219T>C (LRG_296t1); c.1219T>C, p.Ser407Pro (NM_001363813.1); short protein forms S407P.
Identifiers: ClinVar variation 577565 (VCV000577565.14), dbSNP rs1205776646, ClinGen allele CA400677938.
Genomic context (GRCh38, chr17:65,537,817, plus strand): 5'-GCAGTAGGGAGAGGGGGTGCTGCGTGGGCGCCCCCTCCCGCGAATTGAGTGTGAGCTCGG[A>G]GCCCTCTCTCTCTTCATCCTGAAAGGGAAGACGTCAGAAGGAGAAGTGACCCAGGAAGCA-3'
Protein context (NP_004646.3, residues 397-417): QIREDEEREG[Ser407Pro]ELTLNSREGA

ClinVar aggregate classification (germline): Uncertain significance. Review status: criteria provided, multiple submitters, no conflicts (2 of 4 stars). 2 submissions from 2 submitters: Uncertain significance (2). Last evaluated 2025-01-25.

Conditions:
Oligodontia-cancer predisposition syndrome. Also called: TOOTH AGENESIS-COLORECTAL CANCER SYNDROME. Identifiers: Orphanet 300576, MedGen C1837750, MONDO:0012075, OMIM 608615. Disease mechanism: loss of function.
Hereditary cancer-predisposing syndrome. Also called: Tumor predisposition; Hereditary neoplastic syndrome; Hereditary Cancer Syndrome; Neoplastic Syndromes, Hereditary. Identifiers: Orphanet 140162, MedGen C0027672, MeSH D009386, MONDO:0015356.

gnomAD v4.1: 4 of 1,572,162 alleles (0.00025%); highest among the groups gnomAD compares: Non-Finnish European, 0.00035%; no homozygotes.

Submissions (2):

Ambry Genetics
Classification: Uncertain significance for Hereditary cancer-predisposing syndrome. Last evaluated: 2025-01-25. Review status: criteria provided, single submitter. Criteria: Ambry Variant Classification Scheme 2023. Collection method: clinical testing. Allele origin: germline.
Comment: The p.S407P variant (also known as c.1219T>C), located in coding exon 5 of the AXIN2 gene, results from a T to C substitution at nucleotide position 1219. The serine at codon 407 is replaced by proline, an amino acid with similar properties. This amino acid position is not well conserved in available vertebrate species. In addition, this alteration is predicted to be tolerated by in silico analysis. Since supporting evidence is limited at this time, the clinical significance of this alteration remains unclear.

Labcorp Genetics (formerly Invitae), Labcorp
Classification: Uncertain significance for Oligodontia-cancer predisposition syndrome. Last evaluated: 2024-09-09. Review status: criteria provided, single submitter. Criteria: Invitae Variant Classification Sherloc (09022015). Collection method: clinical testing. Allele origin: germline.
Comment: This sequence change replaces serine, which is neutral and polar, with proline, which is neutral and non-polar, at codon 407 of the AXIN2 protein (p.Ser407Pro). This variant is not present in population databases (gnomAD no frequency). This variant has not been reported in the literature in individuals affected with AXIN2-related conditions. ClinVar contains an entry for this variant (Variation ID: 577565). An algorithm developed to predict the effect of missense changes on protein structure and function outputs the following: PolyPhen-2: "Benign". The proline amino acid residue is found in multiple mammalian species, which suggests that this missense change does not adversely affect protein function. In summary, the available evidence is currently insufficient to determine the role of this variant in disease. Therefore, it has been classified as a Variant of Uncertain Significance.